The following is an entry in ClinVar:

ClinVar aggregate classification (germline): Uncertain significance. Review status: criteria provided, multiple submitters, no conflicts (2 of 4 stars). 2 submissions from 2 submitters: Uncertain significance (2). Last evaluated 2025-05-03.

Conditions:
Hereditary cancer-predisposing syndrome. Also called: Hereditary neoplastic syndrome; Hereditary Cancer Syndrome; Neoplastic Syndromes, Hereditary; Tumor predisposition. Identifiers: Orphanet 140162, MedGen C0027672, MeSH D009386, MONDO:0015356.
Neuroblastoma, susceptibility to, 3. Also called: ALK-Related Neuroblastic Tumor Susceptibility. Identifiers: Orphanet 635, MedGen C2751681, MONDO:0013083, OMIM 613014.

gnomAD v4.1: 1 of 1,614,128 alleles (0.000062%); highest among the groups gnomAD compares: East Asian, 0.0022%; no homozygotes.

Submissions (3):

Ambry Genetics
Classification: Uncertain significance for Hereditary cancer-predisposing syndrome. Last evaluated: 2025-05-03. Review status: criteria provided, single submitter. Criteria: Ambry Variant Classification Scheme 2023. Collection method: clinical testing. Allele origin: germline.
Comment: The p.A1396S variant (also known as c.4186G>T), located in coding exon 29 of the ALK gene, results from a G to T substitution at nucleotide position 4186. The alanine at codon 1396 is replaced by serine, an amino acid with similar properties. This amino acid position is not well conserved in available vertebrate species. In addition, this alteration is predicted to be tolerated by in silico analysis. Based on the available evidence, the clinical significance of this variant remains unclear.

Labcorp Genetics (formerly Invitae), Labcorp
Classification: Uncertain significance for Neuroblastoma, susceptibility to, 3. Last evaluated: 2023-07-10. Review status: criteria provided, single submitter. Criteria: Invitae Variant Classification Sherloc (09022015). Collection method: clinical testing. Allele origin: germline.
Comment: In summary, the available evidence is currently insufficient to determine the role of this variant in disease. Therefore, it has been classified as a Variant of Uncertain Significance. Algorithms developed to predict the effect of sequence changes on RNA splicing suggest that this variant may create or strengthen a splice site. An algorithm developed to predict the effect of missense changes on protein structure and function (PolyPhen-2) suggests that this variant is likely to be tolerated. This variant has not been reported in the literature in individuals affected with ALK-related conditions. The frequency data for this variant in the population databases is considered unreliable, as metrics indicate poor data quality at this position in the gnomAD database. This sequence change replaces alanine, which is neutral and non-polar, with serine, which is neutral and polar, at codon 1396 of the ALK protein (p.Ala1396Ser).

Dr. Peter K. Rogan Lab, Western University
No classification provided (evidence only). Condition: Ovarian serous cystadenocarcinoma. Review status: no classification provided. Collection method: in vitro. Allele origin: not applicable. Functional consequence: retained intron. Not counted in ClinVar's aggregate classification.

NM_004304.5(ALK):c.4186G>T (p.Ala1396Ser)

Gene: ALK (ALK receptor tyrosine kinase; minus strand). Cytogenetic location: 2p23.2.
Variant type: single nucleotide variant.
Coding change: c.4186G>T on transcript NM_004304.5 (MANE Select); coding-DNA position 4186, G replaced by T.
Protein change: p.Ala1396Ser; replaces alanine 1396 with serine.
Molecular consequence: missense variant.
Genome position (GRCh38, 1-based): chr2:29,193,901, C>A on the plus strand (G>T on the coding strand, the complement: ALK is on the minus strand). VCF-style: chr2-29193901-C-A. GRCh37 (hg19) VCF-style: chr2-29416767-C-A.
Other names: c.4186G>T (NM_004304.4); c.982G>T, p.Ala328Ser (NM_001353765.2); short protein forms A328S, A1396S.
Identifiers: ClinVar variation 3011321 (VCV003011321.5), dbSNP rs201768549, ClinGen allele CA1593631.
Genomic context (GRCh38, chr2:29,193,901, plus strand): 5'-TGGGCCTCACAGGCACTTTCTCTTCCTCTTCCACAAGTGGACCATATTCTATCGGCAAAG[C>A]GGTGTTGATTACATCCGGGTCCTGCCGTAGGGGAAATTATTAAAACTTTGAATCAGAGAC-3'
Protein context (NP_004295.2, residues 1386-1406): CTQDPDVINT[Ala1396Ser]LPIEYGPLVE